The following is an entry in ClinVar:

ClinVar aggregate classification (germline): Uncertain significance. Review status: criteria provided, multiple submitters, no conflicts (2 of 4 stars). 2 submissions from 2 submitters: Uncertain significance (2). Last evaluated 2023-08-26.

Conditions:
Hereditary cancer-predisposing syndrome. Also called: Neoplastic Syndromes, Hereditary; Hereditary Cancer Syndrome; Tumor predisposition; Hereditary neoplastic syndrome. Identifiers: Orphanet 140162, MedGen C0027672, MeSH D009386, MONDO:0015356.
Familial cancer of breast. Also called: BREAST CANCER, FAMILIAL; Hereditary breast cancer; hereditary breast carcinoma. Identifiers: Orphanet 227535, MedGen C0346153, MONDO:0016419, OMIM 114480. Disease mechanism: loss of function.

Submissions (2):

Ambry Genetics
Classification: Uncertain significance for Hereditary cancer-predisposing syndrome. Last evaluated: 2023-08-26. Review status: criteria provided, single submitter. Criteria: Ambry Variant Classification Scheme 2023. Collection method: clinical testing. Allele origin: germline.
Comment: The p.K174Q variant (also known as c.520A>C), located in coding exon 4 of the PALB2 gene, results from an A to C substitution at nucleotide position 520. The lysine at codon 174 is replaced by glutamine, an amino acid with similar properties. This amino acid position is conserved. In addition, this alteration is predicted to be tolerated by in silico analysis. Since supporting evidence is limited at this time, the clinical significance of this alteration remains unclear.

Labcorp Genetics (formerly Invitae), Labcorp
Classification: Uncertain significance for Familial cancer of breast. Last evaluated: 2022-03-27. Review status: criteria provided, single submitter. Criteria: Invitae Variant Classification Sherloc (09022015). Collection method: clinical testing. Allele origin: germline.
Comment: In summary, the available evidence is currently insufficient to determine the role of this variant in disease. Therefore, it has been classified as a Variant of Uncertain Significance. Algorithms developed to predict the effect of missense changes on protein structure and function output the following: SIFT: "Tolerated"; PolyPhen-2: "Benign"; Align-GVGD: "Class C0". The glutamine amino acid residue is found in multiple mammalian species, which suggests that this missense change does not adversely affect protein function. This variant has not been reported in the literature in individuals affected with PALB2-related conditions. This variant is not present in population databases (gnomAD no frequency). This sequence change replaces lysine, which is basic and polar, with glutamine, which is neutral and polar, at codon 174 of the PALB2 protein (p.Lys174Gln).

NM_024675.4(PALB2):c.520A>C (p.Lys174Gln)

Gene: PALB2 (partner and localizer of BRCA2; minus strand). Cytogenetic location: 16p12.2.
Variant type: single nucleotide variant.
Coding change: c.520A>C on transcript NM_024675.4 (MANE Select); coding-DNA position 520, A replaced by C.
Protein change: p.Lys174Gln; replaces lysine 174 with glutamine.
Molecular consequence: missense variant.
Genome position (GRCh38, 1-based): chr16:23,636,026, T>G on the plus strand (A>C on the coding strand, the complement: PALB2 is on the minus strand). VCF-style: chr16-23636026-T-G. GRCh37 (hg19) VCF-style: chr16-23647347-T-G.
Other names: c.460A>C, p.Lys154Gln (NM_001407296.1); c.520A>C, p.Lys174Gln (NM_001407297.1, NM_001407298.1, NM_001407299.1 and 3 more transcripts); c.-366A>C (NM_001407304.1, NM_001407305.1, NM_001407306.1 and 5 more transcripts); short protein forms K154Q, K174Q.
Identifiers: ClinVar variation 2141200 (VCV002141200.6), dbSNP rs2142441340, ClinGen allele CA395136986.